The following is an entry in ClinVar:

NM_000094.4(COL7A1):c.6943C>G (p.Pro2315Ala)

Gene: COL7A1 (collagen type VII alpha 1 chain; minus strand). Cytogenetic location: 3p21.31.
Variant type: single nucleotide variant.
Coding change: c.6943C>G on transcript NM_000094.4 (MANE Select); coding-DNA position 6943, C replaced by G.
Protein change: p.Pro2315Ala; replaces proline 2315 with alanine.
Molecular consequence: missense variant.
Genome position (GRCh38, 1-based): chr3:48,572,415, G>C on the plus strand (C>G on the coding strand, the complement: COL7A1 is on the minus strand). VCF-style: chr3-48572415-G-C. GRCh37 (hg19) VCF-style: chr3-48609848-G-C.
Other names: short protein forms P2315A.
Identifiers: ClinVar variation 990827 (VCV000990827.7), dbSNP rs1434362269, ClinGen allele CA352652779.
Genomic context (GRCh38, chr3:48,572,415, plus strand): 5'-CTGCTGTCAGAAGTTCCCTACTTACCGGCTCACCCACCAGGTCTCCAGCAAGGCCTCCAG[G>C]GGCTCCCTGGTAAGGGGGAGAGGTCAGTGGGATTCCTTGGCCCCCACCAGTTGACCCCCC-3'
Protein context (NP_000085.1, residues 2305-2325): LPGAKGEKGA[Pro2315Ala]GGLAGDLVGE

ClinVar aggregate classification (germline): Uncertain significance. Review status: criteria provided, single submitter (1 of 4 stars). 2 submissions from 2 submitters: Uncertain significance (1). 1 of the submissions does not count toward it. Last evaluated 2025-11-03.

Conditions:
Epidermolysis bullosa dystrophica inversa, autosomal recessive. Identifiers: MedGen C2673612.

Allele frequency attached by ClinVar (database versions not stated): gnomAD 0.00001; gnomAD exomes 0.00001 and 0.00002; TOPMed 0.00001.
gnomAD v4.1: 36 of 1,613,952 alleles (0.0022%); highest among the groups gnomAD compares: Non-Finnish European, 0.0031%; no homozygotes.

Submissions (2):

Labcorp Genetics (formerly Invitae), Labcorp
Classification: Uncertain significance. Last evaluated: 2025-11-03. Review status: criteria provided, single submitter. Criteria: Invitae Variant Classification Sherloc (09022015). Collection method: clinical testing. Allele origin: germline.
Comment: This sequence change replaces proline, which is neutral and non-polar, with alanine, which is neutral and non-polar, at codon 2315 of the COL7A1 protein (p.Pro2315Ala). This variant is present in population databases (no rsID available, gnomAD 0.0009%). This variant has not been reported in the literature in individuals affected with COL7A1-related conditions. ClinVar contains an entry for this variant (Variation ID: 990827). Invitae Evidence Modeling of protein sequence and biophysical properties (such as structural, functional, and spatial information, amino acid conservation, physicochemical variation, residue mobility, and thermodynamic stability) indicates that this missense variant is not expected to disrupt COL7A1 protein function with a negative predictive value of 95%. In summary, the available evidence is currently insufficient to determine the role of this variant in disease. Therefore, it has been classified as a Variant of Uncertain Significance.

Natera, Inc.
Classification: Uncertain significance for Autosomal recessive epidermolysis bullosa dystrophica inversa. Last evaluated: 2020-10-13. Review status: no assertion criteria provided. Collection method: clinical testing. Allele origin: germline. Not counted in ClinVar's aggregate classification.